The following is an entry in ClinVar:

NM_003482.4(KMT2D):c.11711A>G (p.Gln3904Arg)

Gene: KMT2D (lysine methyltransferase 2D; minus strand). Cytogenetic location: 12q13.12.
Variant type: single nucleotide variant.
Coding change: c.11711A>G on transcript NM_003482.4 (MANE Select); coding-DNA position 11711, A replaced by G.
Protein change: p.Gln3904Arg; replaces glutamine 3904 with arginine.
Molecular consequence: missense variant.
Genome position (GRCh38, 1-based): chr12:49,032,994, T>C on the plus strand (A>G on the coding strand, the complement: KMT2D is on the minus strand). VCF-style: chr12-49032994-T-C. GRCh37 (hg19) VCF-style: chr12-49426777-T-C.
Other names: short protein forms Q3904R.
Identifiers: ClinVar variation 1911549 (VCV001911549.5), dbSNP rs2498361549, ClinGen allele CA384716346.

ClinVar aggregate classification (germline): Uncertain significance (1 of 4 stars; one submission).

Conditions:
Kabuki syndrome. Also called: NIIKAWA-KUROKI SYNDROME; Kabuki make-up syndrome. Identifiers: Orphanet 2322, MedGen C0796004, MONDO:0016512.

Submission:

Labcorp Genetics (formerly Invitae), Labcorp
Classification: Uncertain significance for Kabuki syndrome. Last evaluated: 2024-10-24. Review status: criteria provided, single submitter. Criteria: Invitae Variant Classification Sherloc (09022015). Collection method: clinical testing. Allele origin: germline.
Comment: This sequence change replaces glutamine, which is neutral and polar, with arginine, which is basic and polar, at codon 3904 of the KMT2D protein (p.Gln3904Arg). This variant is not present in population databases (gnomAD no frequency). This variant has not been reported in the literature in individuals affected with KMT2D-related conditions. ClinVar contains an entry for this variant (Variation ID: 1911549). Invitae Evidence Modeling of protein sequence and biophysical properties (such as structural, functional, and spatial information, amino acid conservation, physicochemical variation, residue mobility, and thermodynamic stability) indicates that this missense variant is not expected to disrupt KMT2D protein function with a negative predictive value of 95%. In summary, the available evidence is currently insufficient to determine the role of this variant in disease. Therefore, it has been classified as a Variant of Uncertain Significance.